The following is an entry in ClinVar:

NM_000465.4(BARD1):c.181G>T (p.Val61Leu)

Gene: BARD1 (BRCA1 associated RING domain 1; minus strand). Cytogenetic location: 2q35.
Variant type: single nucleotide variant.
Coding change: c.181G>T on transcript NM_000465.4 (MANE Select); coding-DNA position 181, G replaced by T.
Protein change: p.Val61Leu; replaces valine 61 with leucine.
Molecular consequence: missense variant. On other transcripts: non-coding transcript variant (2), intron variant (2).
Genome position (GRCh38, 1-based): chr2:214,797,095, C>A on the plus strand (G>T on the coding strand, the complement: BARD1 is on the minus strand). VCF-style: chr2-214797095-C-A. GRCh37 (hg19) VCF-style: chr2-215661819-C-A.
Other names: c.181G>T, p.Val61Leu (NM_001282545.2, NM_001282549.2); c.158+12317G>T (NM_001282548.2); c.159-4650G>T (NM_001282543.2); short protein forms V61L.
Identifiers: ClinVar variation 1389432 (VCV001389432.7), dbSNP rs2106145664, ClinGen allele CA350462270.

ClinVar aggregate classification (germline): Uncertain significance (1 of 4 stars; one submission).

Conditions:
Familial cancer of breast. Also called: BREAST CANCER, FAMILIAL; Hereditary breast cancer; hereditary breast carcinoma. Identifiers: Orphanet 227535, MedGen C0346153, MONDO:0016419, OMIM 114480. Disease mechanism: loss of function.

Submission:

Labcorp Genetics (formerly Invitae), Labcorp
Classification: Uncertain significance for Familial cancer of breast. Last evaluated: 2021-09-15. Review status: criteria provided, single submitter. Criteria: Invitae Variant Classification Sherloc (09022015). Collection method: clinical testing. Allele origin: germline.
Comment: This sequence change replaces valine with leucine at codon 61 of the BARD1 protein (p.Val61Leu). The valine residue is highly conserved and there is a small physicochemical difference between valine and leucine. This variant is not present in population databases (ExAC no frequency). This variant has not been reported in the literature in individuals affected with BARD1-related conditions. Algorithms developed to predict the effect of missense changes on protein structure and function are either unavailable or do not agree on the potential impact of this missense change (SIFT: "Deleterious"; PolyPhen-2: "Benign"; Align-GVGD: "Class C25"). In summary, the available evidence is currently insufficient to determine the role of this variant in disease. Therefore, it has been classified as a Variant of Uncertain Significance.